The following is an entry in ClinVar:

ClinVar aggregate classification (germline): Pathogenic/Likely pathogenic. Review status: criteria provided, multiple submitters, no conflicts (2 of 4 stars). 2 submissions from 2 submitters: Pathogenic (1); Likely pathogenic (1). Last evaluated 2025-11-12.

Conditions:
Charcot-Marie-Tooth disease axonal type 2P-AR.
Charcot-Marie-Tooth disease axonal type 2P. Also called: CHARCOT-MARIE-TOOTH NEUROPATHY, TYPE 2P; Charcot-Marie-Tooth Neuropathy Type 2G; CHARCOT-MARIE-TOOTH DISEASE, AXONAL, TYPE 2G; CMT 2G. Identifiers: Orphanet 300319, Orphanet 99941, MedGen C3280797, MONDO:0013753, OMIM 614436.

Submissions (2):

Women's Health and Genetics/Laboratory Corporation of America, LabCorp
Classification: Pathogenic for Charcot-Marie-Tooth disease axonal type 2P-AR. Last evaluated: 2025-11-12. Review status: criteria provided, single submitter. Criteria: LabCorp Variant Classification Summary - May 2015. Collection method: clinical testing. Allele origin: germline.
Comment: Variant summary: LRSAM1 c.2027_2033delTCGTGTG (p.Val676AlafsX8) results in a premature termination codon, predicted to cause a truncation of the encoded protein and not expected to cause nonsense mediated decay (NMD). The variant was absent in 250816 control chromosomes (gnomAD). c.2027_2033delTCGTGTG has been observed in at least one individual affected with nerve disorder (Beecroft_2020). To our knowledge, no experimental evidence demonstrating an impact on protein function has been reported. Other truncating variants in this region have been associated with autosomal dominant Charcot-Marie-Tooth disease and classified as likely pathogenic/pathogenic (PMID: 33414056, 31211173, 29341362). The following publications have been ascertained in the context of this evaluation (PMID: 32153140, 33414056). ClinVar contains an entry for this variant (Variation ID: 1810204). Based on the evidence outlined above, the variant was classified as pathogenic.

Institute of Human Genetics, University of Goettingen
Classification: Likely pathogenic for Charcot-Marie-Tooth disease axonal type 2P. Last evaluated: 2023-01-05. Review status: criteria provided, single submitter. Criteria: ACMG Guidelines, 2015. Collection method: clinical testing. Allele origin: unknown. Inheritance: Autosomal dominant inheritance. Affected: yes. Observed: 1 heterozygote.
Comment: The variant c.2027_2033del (p.(Val676Alafs*8)) in exon 24 of the LRSAM1 gene is not found in the gnomAD database and it creates a frame shift starting at codon Val676. The new reading frame ends in a STOP codon at position 8. Truncating variants at the rear end of exon 24 and in exon 25 of the LRSAM1 are associated with the autosomal dominant form of CMT2P (PMID: 33414056). ACMG criteria used for classification: PVS1_strg, PM2.

Literature cited by the submitters: PubMed 33414056 (cited by Institute of Human Genetics, University of Goettingen).

NM_001005373.4(LRSAM1):c.2027_2033del (p.Val676fs)

Gene: LRSAM1 (leucine rich repeat and sterile alpha motif containing 1; plus strand). Cytogenetic location: 9q34.11.
Variant type: Deletion.
Coding change: c.2027_2033del on transcript NM_001005373.4 (MANE Select); coding-DNA positions 2027 to 2033, 7 bases deleted (TCGTGTG; older notation c.2027_2033delTCGTGTG).
Protein change: p.Val676fs; shifts the reading frame from valine 676.
Molecular consequence: frameshift variant. On other transcripts: non-coding transcript variant (2).
Genome position (GRCh38, 1-based): chr9:127,501,124-127,501,130, TCGTGTG deleted; deleting any 7 consecutive bases within chr9:127,501,119-127,501,130 gives the same sequence; the c. name uses the placement nearest the transcript's 3' end. VCF-style (leftmost placement, unchanged base first): chr9-127501118-AGTGTGTC-A. GRCh37 (hg19) VCF-style: chr9-130263397-AGTGTGTC-A.
Other names: c.2027_2033delTCGTGTG (NM_138361.5); c.2027_2033del, p.Val676fs (NM_001005374.4, NM_001384142.1, NM_138361.5); c.1946_1952del, p.Val649fs (NM_001190723.3); c.1928_1934del, p.Val643fs (NM_001384143.1); c.1238_1244del, p.Val413fs (NM_001384144.1); short protein forms V413fs, V643fs, V649fs, V676fs.
Identifiers: ClinVar variation 1810204 (VCV001810204.3), dbSNP rs2539464527, ClinGen allele CA2580079561.
Genomic context (GRCh38, chr9:127,501,118, plus strand): 5'-AGCCTCCTGAGTCTGTGAGGCCATCCGCTCCCCCTGCAGAGCTGGAGGTGCAGGCCTCAG[AGTGTGTC>A]GTGTGCCTGGAACGGGAGGTAAGTCCGGGGCCCTCCCCACCCGCCTGCCCTGCCTGTGGC-3'